The following is an entry in ClinVar:

ClinVar aggregate classification (germline): Conflicting classifications of pathogenicity. Review status: criteria provided, conflicting classifications (1 of 4 stars). 3 submissions from 3 submitters: Uncertain significance (1); Likely benign (2). Last evaluated 2019-11-14.

Conditions:
Cardiovascular phenotype. Identifiers: MedGen CN230736.
Dilated cardiomyopathy 1G (CMD1G). Identifiers: Orphanet 154, MedGen C1858763, MONDO:0011400, OMIM 604145.
Autosomal recessive limb-girdle muscular dystrophy type 2J (LGMDR10). Also called: Limb-girdle muscular dystrophy, type 2J; MUSCULAR DYSTROPHY, LIMB-GIRDLE, AUTOSOMAL RECESSIVE 10. Identifiers: Orphanet 140922, MedGen C1837342, MONDO:0012127, OMIM 608807.

Allele frequency attached by ClinVar (database versions not stated): gnomAD exomes 0.00001; gnomAD 0.00002; TOPMed 0.00002.
gnomAD v4.1: 13 of 1,604,950 alleles (0.00081%); highest among the groups gnomAD compares: Non-Finnish European, 0.0011%; no homozygotes.

Submissions (3):

Ambry Genetics
Classification: Likely benign for Cardiovascular phenotype. Last evaluated: 2019-11-14. Review status: criteria provided, single submitter. Criteria: Ambry Variant Classification Scheme 2023. Collection method: clinical testing. Allele origin: germline.

Labcorp Genetics (formerly Invitae), Labcorp
Classification: Uncertain significance for Dilated cardiomyopathy 1G; Autosomal recessive limb-girdle muscular dystrophy type 2J. Last evaluated: 2017-08-28. Review status: criteria provided, single submitter. Criteria: Invitae Variant Classification Sherloc (09022015). Collection method: clinical testing. Allele origin: germline.

Laboratory for Molecular Medicine, Mass General Brigham Personalized Medicine
Classification: Likely benign. Last evaluated: 2014-06-05. Review status: criteria provided, single submitter. Criteria: LMM Criteria. Collection method: clinical testing. Allele origin: germline. Observed: 1 variant allele.
Comment: Ser403Thr in exon 7 of TTN: This variant is not expected to have clinical signif icance due to a lack of conservation across species, including mammals. Of note, more than 10 species including 8 primates, Orangutan, Gibbon, Rhesus, Crab Eati ng Macque, Green Monkey, Marmoset, Baboon, and Squirrel Monkey, have a threonine (Thr) at this position, despite high nearby amino acid conservation. In additio n, computational prediction tools do not suggest a high likelihood of impact to the protein.

NM_001267550.2(TTN):c.1208G>C (p.Ser403Thr)

Gene: TTN (titin; minus strand). Cytogenetic location: 2q31.2.
Variant type: single nucleotide variant.
Coding change: c.1208G>C on transcript NM_001267550.2 (MANE Select); coding-DNA position 1208, G replaced by C.
Protein change: p.Ser403Thr; replaces serine 403 with threonine.
Molecular consequence: missense variant.
Genome position (GRCh38, 1-based): chr2:178,794,959, C>G on the plus strand (G>C on the coding strand, the complement: TTN is on the minus strand). VCF-style: chr2-178794959-C-G. GRCh37 (hg19) VCF-style: chr2-179659686-C-G.
Other names: c.1208G>C, p.Ser403Thr (NM_133378.4, NM_001256850.1, NM_003319.4 and 3 more transcripts); short protein forms S403T.
Identifiers: ClinVar variation 179736 (VCV000179736.9), dbSNP rs727505091, ClinGen allele CA185027.